The following is an entry in ClinVar:

ClinVar aggregate classification (germline): Likely benign. Review status: criteria provided, multiple submitters, no conflicts (2 of 4 stars). 2 submissions from 2 submitters: Likely benign (2). Last evaluated 2026-09-22.

Conditions:
Neurofibromatosis, type 1 (NF1). Also called: NEUROFIBROMATOSIS, TYPE I, SOMATIC; Peripheral type neurofibromatosis; VON RECKLINGHAUSEN DISEASE; Neurofibromatosis, type I. Identifiers: Orphanet 636, MedGen C0027831, MONDO:0018975, OMIM 162200. Disease mechanism: loss of function.

Allele frequency attached by ClinVar (database versions not stated): gnomAD exomes below 0.00001; TOPMed 0.00001.
gnomAD v4.1: 3 of 1,613,176 alleles (0.00019%); highest among the groups gnomAD compares: Middle Eastern, 0.017%; no homozygotes.

Submissions (2):

Myriad Genetics, Inc.
Classification: Likely benign for Neurofibromatosis, type 1. Last evaluated: 2026-09-22. Review status: criteria provided, single submitter. Criteria: Myriad Autosomal Dominant, Autosomal Recessive and X-Linked Classification Criteria (2023). Collection method: clinical testing. Allele origin: unknown.
Comment: This variant is considered likely benign. This variant is intronic and is not expected to impact mRNA splicing.

Labcorp Genetics (formerly Invitae), Labcorp
Classification: Likely benign for Neurofibromatosis, type 1. Last evaluated: 2025-05-23. Review status: criteria provided, single submitter. Criteria: Invitae Variant Classification Sherloc (09022015). Collection method: clinical testing. Allele origin: germline.

NM_001042492.3(NF1):c.3708+7G>A

Gene: NF1 (neurofibromin 1; plus strand). Cytogenetic location: 17q11.2.
Variant type: single nucleotide variant.
Coding change: c.3708+7G>A on transcript NM_001042492.3 (MANE Select); 7 bases into the intron after coding-DNA position 3708, G replaced by A.
Molecular consequence: intron variant.
Genome position (GRCh38, 1-based): chr17:31,233,220, G>A. VCF-style: chr17-31233220-G-A. GRCh37 (hg19) VCF-style: chr17-29560238-G-A.
Other names: c.3708+7G>A (NM_000267.4).
Identifiers: ClinVar variation 527662 (VCV000527662.8), dbSNP rs1555615115, ClinGen allele CA658798784.
Genomic context (GRCh38, chr17:31,233,220, plus strand): 5'-GGAGAACTCCCTATAGCGATGGCTCTGGCCAATGTGGTTCCTTGTTCTCAGTGGGTAAGT[G>A]ATTAGAGTAAGCGGGGAAGAAAAGTGCCTGGCACATAGCAAATCCTTCAGAATATATTTG-3'